The following is an entry in ClinVar:

ClinVar aggregate classification (germline): Pathogenic (1 of 4 stars; one submission).

Conditions:
Cobalamin C disease. Also called: Methylmalonic aciduria with homocystinuria cblC type; Methylmalonic aciduria and homocystinuria, Vitamin B12-responsive; Vitamin B12 metabolic defect with combined deficiency of methylmalonyl-CoA mutase and homocysteine:methyltetrahydrofolate methyltransferase; methylmalonic aciduria and homocystinuria type cblC; Cobalamin-C methylmalonic acidemia and homocystinuria; Methylmalonic acidemia and homocystinuria cblC type. Identifiers: Orphanet 26, Orphanet 79282, MedGen C1848561, MONDO:0010184, OMIM 277400.

Submission:

Labcorp Genetics (formerly Invitae), Labcorp
Classification: Pathogenic for Cobalamin C disease. Last evaluated: 2023-06-23. Review status: criteria provided, single submitter. Criteria: Invitae Variant Classification Sherloc (09022015). Collection method: clinical testing. Allele origin: germline.
Comment: This sequence change creates a premature translational stop signal (p.Glu217Argfs*27) in the MMACHC gene. While this is not anticipated to result in nonsense mediated decay, it is expected to disrupt the last 66 amino acid(s) of the MMACHC protein. For these reasons, this variant has been classified as Pathogenic. This variant disrupts a region of the MMACHC protein in which other variant(s) (p.Tyr222*) have been determined to be pathogenic (PMID: 16311595, 19767224, 30157807). This suggests that this is a clinically significant region of the protein, and that variants that disrupt it are likely to be disease-causing. ClinVar contains an entry for this variant (Variation ID: 1074542). This premature translational stop signal has been observed in individual(s) with clinical features of MMACHC-related conditions (Invitae). This variant is not present in population databases (gnomAD no frequency).

Literature cited by the submitters: PubMed 16311595; PubMed 19767224; PubMed 30157807.

NM_015506.3(MMACHC):c.649_650del (p.Glu217fs)

Genes: MMACHC (metabolism of cobalamin associated C; plus strand), LOC129930446 (ATAC-STARR-seq lymphoblastoid active region 972; plus strand). Cytogenetic location: 1p34.1.
Variant type: Deletion.
Coding change: c.649_650del on transcript NM_015506.3 (MANE Select); coding-DNA positions 649 to 650, 2 bases deleted (GA; older notation c.649_650delGA).
Protein change: p.Glu217fs; shifts the reading frame from glutamic acid 217.
Molecular consequence: frameshift variant.
Genome position (GRCh38, 1-based): chr1:45,509,015-45,509,016, GA deleted; deleting any 2 consecutive bases within chr1:45,509,014-45,509,016 gives the same sequence; the c. name uses the placement nearest the transcript's 3' end. VCF-style (leftmost placement, unchanged base first): chr1-45509013-CAG-C. GRCh37 (hg19) VCF-style: chr1-45974685-CAG-C.
Other names: c.478_479del, p.Glu160fs (NM_001330540.2); short protein forms E160fs, E217fs.
Identifiers: ClinVar variation 1074542 (VCV001074542.9), dbSNP rs1363738186, ClinGen allele CA736191928.
Genomic context (GRCh38, chr1:45,509,013, plus strand): 5'-TCAATTTCCACTGGCGTGATTGGACTTACCGGGATGCTGTGACACCCCAGGAGCGCTACT[CAG>C]AAGAGCAGAAGGCCTACTTCTCCACTCCACCTGCCCAACGATTGGCCCTATTGGGCTTGG-3'